The following is an entry in ClinVar:

NM_015629.4(PRPF31):c.1001C>T (p.Pro334Leu)

Gene: PRPF31 (pre-mRNA processing factor 31; plus strand). Cytogenetic location: 19q13.42.
Variant type: single nucleotide variant.
Coding change: c.1001C>T on transcript NM_015629.4 (MANE Select); coding-DNA position 1001, C replaced by T.
Protein change: p.Pro334Leu; replaces proline 334 with leucine.
Molecular consequence: missense variant.
Genome position (GRCh38, 1-based): chr19:54,128,128, C>T. VCF-style: chr19-54128128-C-T. GRCh37 (hg19) VCF-style: chr19-54631503-C-T.
Other names: short protein forms P334L.
Identifiers: ClinVar variation 3687311 (VCV003687311.2).

ClinVar aggregate classification (germline): Uncertain significance (1 of 4 stars; one submission).

gnomAD v4.1: 5 of 1,552,682 alleles (0.00032%); highest among the groups gnomAD compares: Admixed American, 0.002%; no homozygotes.

Submission:

Labcorp Genetics (formerly Invitae), Labcorp
Classification: Uncertain significance. Last evaluated: 2024-02-17. Review status: criteria provided, single submitter. Criteria: Invitae Variant Classification Sherloc (09022015). Collection method: clinical testing. Allele origin: germline.
Comment: This sequence change replaces proline, which is neutral and non-polar, with leucine, which is neutral and non-polar, at codon 334 of the PRPF31 protein (p.Pro334Leu). This variant is present in population databases (no rsID available, gnomAD 0.004%). This variant has not been reported in the literature in individuals affected with PRPF31-related conditions. An algorithm developed to predict the effect of missense changes on protein structure and function (PolyPhen-2) suggests that this variant is likely to be disruptive. In summary, the available evidence is currently insufficient to determine the role of this variant in disease. Therefore, it has been classified as a Variant of Uncertain Significance.